The following is an entry in ClinVar:

ClinVar aggregate classification (germline): Uncertain significance (1 of 4 stars; one submission).

Conditions:
Neuronal ceroid lipofuscinosis. Also called: Neuronal Ceroid Lipofuscinoses. Identifiers: Orphanet 216, Orphanet 79263, MedGen C0027877, MONDO:0016295. Disease mechanism: loss of function.

Submission:

Labcorp Genetics (formerly Invitae), Labcorp
Classification: Uncertain significance for Neuronal ceroid lipofuscinosis. Last evaluated: 2021-11-11. Review status: criteria provided, single submitter. Criteria: Invitae Variant Classification Sherloc (09022015). Collection method: clinical testing. Allele origin: germline.
Comment: This variant has not been reported in the literature in individuals affected with CLN5-related conditions. In summary, the available evidence is currently insufficient to determine the role of this variant in disease. Therefore, it has been classified as a Variant of Uncertain Significance. Algorithms developed to predict the effect of missense changes on protein structure and function are either unavailable or do not agree on the potential impact of this missense change (SIFT: "Deleterious"; PolyPhen-2: "Probably Damaging"; Align-GVGD: "Class C15"). This variant is not present in population databases (gnomAD no frequency). This sequence change replaces leucine, which is neutral and non-polar, with phenylalanine, which is neutral and non-polar, at codon 146 of the CLN5 protein (p.Leu146Phe).

NM_006493.4(CLN5):c.291A>C (p.Leu97Phe)

Gene: CLN5 (CLN5 lysosomal BMP synthase; plus strand). Cytogenetic location: 13q22.3.
Variant type: single nucleotide variant.
Coding change: c.291A>C on transcript NM_006493.4 (MANE Select); coding-DNA position 291, A replaced by C.
Protein change: p.Leu97Phe; replaces leucine 97 with phenylalanine.
Molecular consequence: missense variant.
Genome position (GRCh38, 1-based): chr13:76,995,180, A>C. VCF-style: chr13-76995180-A-C. GRCh37 (hg19) VCF-style: chr13-77569315-A-C.
Other names: c.291A>C, p.Leu97Phe (NM_001366624.2); short protein forms L97F.
Identifiers: ClinVar variation 1469304 (VCV001469304.6), dbSNP rs2154034643, ClinGen allele CA388308225.